The following continues an entry in ClinVar:

NM_001363711.2(DUOX2):c.602dup (p.Gln202fs)

Gene: DUOX2. ClinVar aggregate classification (germline): Pathogenic/Likely pathogenic. Pathogenic (16); Likely pathogenic (3).

Submissions 11 to 23 of 23:

Ambry Genetics
Classification: Pathogenic for Inborn genetic diseases. Last evaluated: 2021-06-30. Review status: criteria provided, single submitter. Criteria: Ambry Variant Classification Scheme 2023. Collection method: clinical testing. Allele origin: germline.
Comment: The c.602dupG (p.Q202Tfs*99) alteration, located in exon 6 (coding exon 5) of the DUOX2 gene, consists of a duplication of G at position 602, causing a translational frameshift with a predicted alternate stop codon after 99 amino acids. This alteration is expected to result in loss of function by premature protein truncation or nonsense-mediated mRNA decay. Based on data from the Genome Aggregation Database (gnomAD), the DUOX2 c.602dupG alteration was observed in 0.09% (153/177920) of total alleles studied, with a frequency of 0.16% (112/70882) in the European (non-Finnish) subpopulation. This alteration has been reported in the homozygous state and confirmed in trans with a second DUOX2 alteration in patients with congenital hypothyroidism (Pfarr, 2006; Muzza, 2014; Peters, 2019). Based on the available evidence, this alteration is classified as pathogenic.

Genetic Services Laboratory, University of Chicago
Classification: Pathogenic. Last evaluated: 2020-07-27. Review status: criteria provided, single submitter. Criteria: ACMG Guidelines, 2015. Collection method: clinical testing. Allele origin: germline. Affected: yes.

Revvity Omics, Revvity
Classification: Pathogenic for Thyroid dyshormonogenesis 6. Last evaluated: 2020-01-17. Review status: criteria provided, single submitter. Criteria: ACMG Guidelines, 2015. Collection method: clinical testing. Allele origin: germline.

Rady Children's Institute for Genomic Medicine, Rady Children's Hospital San Diego
Classification: Pathogenic for THYROID DYSHORMONOGENESIS 6. Last evaluated: 2019-11-21. Review status: criteria provided, single submitter. Criteria: ACMG Guidelines, 2015. Collection method: clinical testing. Allele origin: germline. Affected: yes.
Comment: This variant is sometimes referred to as ins602gfsX300 and ins602g in the literature.This frameshifting variant in exon 6 of 34 introduces a premature stop codon and is therefore predicted to result in loss of normal protein function. It is present in the heterozygous state in the gnomAD population database at a frequency of 0.08599% (153/177920). This variant has been reported in the literature as compound heterozygous or as heterozygous without a second variant identified in individuals with congenital primary hypothyroidism (PMID: 17121535, 24423310). Skipping of exon 5 due to this alteration has been reported (PMID: 17121535); however, an additional study showed that skipping of exon 5 occurs naturally in the RNA from lymphocytes, thyroid, testis, pituitary, and orbital fat of control subjects (PMID: 24423310). ClinVar contains an entry for this variant (Variation ID: 279800). Based on the available evidence the c.602dup (p.Gln202ThrfsTer99) variant is classified as Pathogenic.

Illumina Laboratory Services, Illumina
Classification: Likely pathogenic for Thyroid dyshormonogenesis 6. Last evaluated: 2018-10-30. Review status: criteria provided, single submitter. Criteria: ICSL Variant Classification Criteria 09 May 2019. Collection method: clinical testing. Allele origin: germline.
Comment: The DUOX2 c.602dupG (p.Gln202ThrfsTer99) variant results in a frameshift and is predicted to result in premature termination of the protein. The p.Gln202ThrfsTer99 variant has been reported in two studies and is found in a total of four individuals with congenital hypothyroidism, including in three in a compound heterozygous state (two of the individuals were siblings) and in one in a heterozygous state in whom a second variant was not identified (Pfarr et al. 2006; Muzza et al. 2013). The variant is also found in two unaffected heterozygous individuals. The p.Gln202ThrfsTer99 variant was absent from 110 controls, but is reported at a frequency of 0.001508 in the European (non-Finnish) population of the Genome Aggregation Database. cDNA from an affected individual showed only the wildtype allele, suggesting the skipping or the degradation of the mutated allele. Skipping of exon 5 has been demonstrated in the cDNA from lymphocytes, thyroid, testis, pituitary, and orbital fat of control subjects indicating the existence of a physiologically occurring alternative splice variant (Muzza et al. 2013). Based on the collective evidence, the p.Gln202ThrfsTer99 variant is classified as likely pathogenic for congenital hypothyroidism. This variant was observed by ICSL as part of a predisposition screen in an ostensibly healthy population.

Knight Diagnostic Laboratories, Oregon Health and Sciences University
Classification: Pathogenic for Thyroid dyshormonogenesis 6. Last evaluated: 2017-11-10. Review status: criteria provided, single submitter. Criteria: ACMG Guidelines, 2015. Collection method: clinical testing. Allele origin: germline. Observed: 1 variant allele.

Clinical Genetics DNA and cytogenetics Diagnostics Lab, Erasmus MC, Erasmus Medical Center
Classification: Pathogenic for Thyroid dyshormonogenesis 6. Last evaluated: 2015-09-21. Review status: criteria provided, single submitter. Criteria: ACGS Guidelines, 2013. Collection method: clinical testing. Allele origin: germline. Affected: yes. Study: VKGL Data-share Consensus.

Juno Genomics, Hangzhou Juno Genomics, Inc
Classification: Pathogenic for Thyroid dyshormonogenesis 6. Review status: criteria provided, single submitter. Criteria: ACMG Guidelines, 2015. Collection method: clinical testing. Allele origin: germline.
Comment: Null variant in a gene where loss of function (LOF) is a known mechanism of disease.;For recessive disorders, detected in trans with a pathogenic variant.;Patient's phenotype or family history is highly specific for a disease with a single genetic etiology.

Neuberg Centre For Genomic Medicine, NCGM
Classification: Pathogenic for Thyroid dyshormonogenesis 6. Review status: criteria provided, single submitter. Criteria: ACMG Guidelines, 2015. Collection method: clinical testing. Allele origin: germline. Inheritance: Autosomal recessive inheritance. Affected: yes.
Comment: The frameshift variant c.602dup (p.Gln202ThrfsTer99) in the DUOX2 gene has been reported previously in a heterozygous state in individuals affected with Dyshormonogenic congenital hypothyroidism (Muzza et al., 2014; Pfarr et al., 2006). This variant is reported with the allele frequency (0.08%) in the gnomAD Exomes. It is submitted to ClinVar as Likely Pathogenic/ Pathogenic (Multiple submitters). This variant causes a frameshift starting with codon Glutamine 202, changes this amino acid to Threonine residue, and creates a premature Stop codon at position 99 of the new reading frame. This variant is predicted to cause a loss of normal protein function through protein truncation. Loss of function variants has been previously reported to be disease causing. For these reasons, this variant has been classified as Pathogenic.

Clinical Genetics Laboratory, University Hospital Schleswig-Holstein
Classification: Pathogenic for Thyroid dyshormonogenesis 6. Last evaluated: 2021-01-15. Review status: no assertion criteria provided. Collection method: clinical testing. Allele origin: germline. Affected: yes. Not counted in ClinVar's aggregate classification.

Clinical Genetics, Academic Medical Center
Classification: Pathogenic. Review status: no assertion criteria provided. Collection method: clinical testing. Allele origin: germline. Affected: yes. Study: VKGL Data-share Consensus. Not counted in ClinVar's aggregate classification.

Diagnostic Laboratory, Department of Genetics, University Medical Center Groningen
Classification: Pathogenic for Thyroid dyshormonogenesis 6. Review status: no assertion criteria provided. Collection method: clinical testing. Allele origin: germline. Affected: yes. Study: VKGL Data-share Consensus. Not counted in ClinVar's aggregate classification.

Polak associated Lab, IMAGINE Institute
Classification: Likely pathogenic for Congenital hypothyroidism. Review status: no assertion criteria provided. Collection method: clinical testing. Allele origin: germline. Affected: yes. Not counted in ClinVar's aggregate classification.

Literature cited by the submitters: PubMed 24423310 (cited by 6 submitters); PubMed 27557340 (cited by Dasa and Labcorp Genetics (formerly Invitae), Labcorp); PubMed 17121535 (cited by 5 submitters); PubMed 12110737 (cited by Labcorp Genetics (formerly Invitae), Labcorp); PubMed 18765513 (cited by Labcorp Genetics (formerly Invitae), Labcorp); PubMed 21565790 (cited by Labcorp Genetics (formerly Invitae), Labcorp); PubMed 24735383 (cited by Labcorp Genetics (formerly Invitae), Labcorp); PubMed 31044655 (cited by Victorian Clinical Genetics Services, Murdoch Childrens Research Institute and Ambry Genetics).